The following is an entry in ClinVar:

NM_005333.5(HCCS):c.215C>T (p.Ala72Val)

Gene: HCCS (holocytochrome c synthase; plus strand). Cytogenetic location: Xp22.2.
Variant type: single nucleotide variant.
Coding change: c.215C>T on transcript NM_005333.5 (MANE Select); coding-DNA position 215, C replaced by T.
Protein change: p.Ala72Val; replaces alanine 72 with valine.
Molecular consequence: missense variant.
Genome position (GRCh38, 1-based): chrX:11,114,949, C>T. VCF-style: chrX-11114949-C-T. GRCh37 (hg19) VCF-style: chrX-11133069-C-T.
Other names: c.215C>T, p.Ala72Val (NM_001122608.3, NM_001171991.3); short protein forms A72V.
Identifiers: ClinVar variation 129215 (VCV000129215.23), dbSNP rs2070163, ClinGen allele CA153064.

ClinVar aggregate classification (germline): Benign/Likely benign. Review status: criteria provided, multiple submitters, no conflicts (2 of 4 stars). 6 submissions from 6 submitters: Benign (3); Likely benign (2). 1 of the submissions does not count toward it. Last evaluated 2026-01-26.

Conditions:
Inborn genetic diseases. Identifiers: MedGen C0950123, MeSH D030342.

Allele frequency attached by ClinVar (database versions not stated): 1000 Genomes Project 30x 0.00853; TOPMed 0.01911; 1000 Genomes Project 0.00848; gnomAD 0.01957 and 0.01981; ESP Exome Variant Server 0.02177; gnomAD exomes 0.02768 and 0.01917; ExAC 0.01838.

Submissions (6):

Labcorp Genetics (formerly Invitae), Labcorp
Classification: Benign. Last evaluated: 2026-01-26. Review status: criteria provided, single submitter. Criteria: Invitae Variant Classification Sherloc (09022015). Collection method: clinical testing. Allele origin: germline.

GeneDx
Classification: Likely benign. Last evaluated: 2021-06-02. Review status: criteria provided, single submitter. Criteria: GeneDx Variant Classification Process June 2021. Collection method: clinical testing. Allele origin: germline. Affected: yes.

Ambry Genetics
Classification: Benign for Inborn genetic diseases. Last evaluated: 2016-04-22. Review status: criteria provided, single submitter. Criteria: Ambry Variant Classification Scheme 2023. Collection method: clinical testing. Allele origin: germline.

Breakthrough Genomics
Classification: Likely benign. Review status: criteria provided, single submitter. Criteria: ACMG Guidelines, 2015. Collection method: not provided. Allele origin: germline. Inheritance: X-linked dominant inheritance. Affected: yes.

PreventionGenetics, part of Exact Sciences
Classification: Benign. Review status: criteria provided, single submitter. Criteria: ACMG Guidelines, 2015. Collection method: clinical testing. Allele origin: germline.

Genetic Services Laboratory, University of Chicago
Classification: Likely benign for AllHighlyPenetrant. Review status: no assertion criteria provided. Collection method: clinical testing. Allele origin: germline. Inheritance: X-linked inheritance. Not counted in ClinVar's aggregate classification.
Comment: Likely benign based on allele frequency in 1000 Genomes Project or ESP global frequency and its presence in a patient with a rare or unrelated disease phenotype. NOT Sanger confirmed.